The following is an entry in ClinVar:

NM_022124.6(CDH23):c.2597C>T (p.Pro866Leu)

Gene: CDH23 (cadherin related 23; plus strand). Cytogenetic location: 10q22.1.
Variant type: single nucleotide variant.
Coding change: c.2597C>T on transcript NM_022124.6 (MANE Select); coding-DNA position 2597, C replaced by T.
Protein change: p.Pro866Leu; replaces proline 866 with leucine.
Molecular consequence: missense variant.
Genome position (GRCh38, 1-based): chr10:71,702,558, C>T. VCF-style: chr10-71702558-C-T. GRCh37 (hg19) VCF-style: chr10-73462315-C-T.
Other names: c.2597C>T, p.Pro866Leu (NM_001171930.2, NM_001171931.2); short protein forms P866L.
Identifiers: ClinVar variation 1036093 (VCV001036093.8), dbSNP rs1865632392, ClinGen allele CA377137998.

ClinVar aggregate classification (germline): Uncertain significance (1 of 4 stars; one submission).

gnomAD v4.1: 1 of 1,613,958 alleles (0.000062%); highest among the groups gnomAD compares: Non-Finnish European, 0.000085%; no homozygotes.

Submission:

Labcorp Genetics (formerly Invitae), Labcorp
Classification: Uncertain significance. Last evaluated: 2025-01-15. Review status: criteria provided, single submitter. Criteria: Invitae Variant Classification Sherloc (09022015). Collection method: clinical testing. Allele origin: germline.
Comment: This sequence change replaces proline, which is neutral and non-polar, with leucine, which is neutral and non-polar, at codon 866 of the CDH23 protein (p.Pro866Leu). This variant is not present in population databases (gnomAD no frequency). This variant has not been reported in the literature in individuals affected with CDH23-related conditions. ClinVar contains an entry for this variant (Variation ID: 1036093). Invitae Evidence Modeling of protein sequence and biophysical properties (such as structural, functional, and spatial information, amino acid conservation, physicochemical variation, residue mobility, and thermodynamic stability) has been performed for this missense variant. However, the output from this modeling did not meet the statistical confidence thresholds required to predict the impact of this variant on CDH23 protein function. In summary, the available evidence is currently insufficient to determine the role of this variant in disease. Therefore, it has been classified as a Variant of Uncertain Significance.